The following is an entry in ClinVar:

ClinVar aggregate classification (germline): Uncertain significance. Review status: criteria provided, multiple submitters, no conflicts (2 of 4 stars). 2 submissions from 2 submitters: Uncertain significance (2). Last evaluated 2021-08-31.

Conditions:
Inborn genetic diseases. Identifiers: MedGen C0950123, MeSH D030342.
Epidermolysis bullosa simplex 3, localized or generalized intermediate, with BP230 deficiency (EBS3). Also called: Epidermolysis bullosa simplex due to BP230 deficiency; Epidermolysis bullosa simplex, autosomal recessive 2. Identifiers: Orphanet 412181, MedGen C3809470, MONDO:0014180, OMIM 615425.
Hereditary sensory and autonomic neuropathy type 6. Also called: HSAN VI; Neuropathy, hereditary sensory and autonomic, type VI. Identifiers: Orphanet 314381, MedGen C3539003, MONDO:0013839, OMIM 614653.

Allele frequency attached by ClinVar (database versions not stated): TOPMed 0.00001; gnomAD 0.00003; gnomAD exomes 0.00003 and 0.00006; ExAC 0.00004.
gnomAD v4.1: 47 of 1,613,738 alleles (0.0029%); highest among the groups gnomAD compares: South Asian, 0.051%; no homozygotes.

Submissions (2):

Labcorp Genetics (formerly Invitae), Labcorp
Classification: Uncertain significance for Epidermolysis bullosa simplex 3, localized or generalized intermediate, with BP230 deficiency; Hereditary sensory and autonomic neuropathy type 6. Last evaluated: 2021-08-31. Review status: criteria provided, single submitter. Criteria: Invitae Variant Classification Sherloc (09022015). Collection method: clinical testing. Allele origin: germline.

Ambry Genetics
Classification: Uncertain significance for Inborn genetic diseases. Last evaluated: 2019-11-01. Review status: criteria provided, single submitter. Criteria: Ambry Variant Classification Scheme 2023. Collection method: clinical testing. Allele origin: germline.
Comment: The p.K2626R variant (also known as c.7877A>G), located in coding exon 51 of the DST gene, results from an A to G substitution at nucleotide position 7877. The lysine at codon 2626 is replaced by arginine, an amino acid with highly similar properties. This amino acid position is not well conserved in available vertebrate species. In addition, this alteration is predicted to be tolerated by in silico analysis. Since supporting evidence is limited at this time, the clinical significance of this alteration remains unclear.

NM_001374736.1(DST):c.14234A>G (p.Lys4745Arg)

Genes: DST (dystonin; minus strand), LOC129389544 (MPRA-validated peak5860 silencer; plus strand). Cytogenetic location: 6p12.1.
Variant type: single nucleotide variant.
Coding change: c.14234A>G on transcript NM_001374736.1 (MANE Select); coding-DNA position 14234, A replaced by G.
Protein change: p.Lys4745Arg; replaces lysine 4745 with arginine.
Molecular consequence: missense variant.
Genome position (GRCh38, 1-based): chr6:56,561,384, T>C on the plus strand (A>G on the coding strand, the complement: DST is on the minus strand). VCF-style: chr6-56561384-T-C. GRCh37 (hg19) VCF-style: chr6-56426182-T-C.
Other names: c.7877A>G, p.Lys2626Arg (NM_001144769.5); c.7463A>G, p.Lys2488Arg (NM_001144770.2); c.14234A>G, p.Lys4745Arg (NM_001374722.1); c.13601A>G, p.Lys4534Arg (NM_001374729.1); c.7343A>G, p.Lys2448Arg (NM_001374730.1, NM_001386100.1, NM_183380.4); c.14261A>G, p.Lys4754Arg (NM_001374734.1); c.6365A>G, p.Lys2122Arg (NM_015548.5); short protein forms K2122R, K2448R, K2488R, K2626R, K4534R, K4745R, K4754R.
Identifiers: ClinVar variation 1056651 (VCV001056651.6), dbSNP rs771129327, ClinGen allele CA3868071.
Genomic context (GRCh38, chr6:56,561,384, plus strand): 5'-TGAGTCTTCACAGCTTCAGTATCTGTAGGTGCAGGTGTCTGCTGCCATTTTGTTGCAGTT[T>C]TGTTCATTTTCTGTAACCACTGCATCATTGCACTTGATTCTTCCTGAGCCTTTTGCAATT-3'
Protein context (NP_001361665.1, residues 4735-4755): AMMQWLQKMN[Lys4745Arg]TATKWQQTPA